The following is an entry in ClinVar:

NM_001287491.2(TET3):c.3758G>C (p.Ser1253Thr)

Gene: TET3 (tet methylcytosine dioxygenase 3; plus strand). Cytogenetic location: 2p13.1.
Variant type: single nucleotide variant.
Coding change: c.3758G>C on transcript NM_001287491.2 (MANE Select); coding-DNA position 3758, G replaced by C.
Protein change: p.Ser1253Thr; replaces serine 1253 with threonine.
Molecular consequence: missense variant.
Genome position (GRCh38, 1-based): chr2:74,100,546, G>C. VCF-style: chr2-74100546-G-C. GRCh37 (hg19) VCF-style: chr2-74327673-G-C.
Other names: c.3479G>C, p.Ser1160Thr (NM_001366022.1); short protein forms S1160T, S1253T.
Identifiers: ClinVar variation 4528026 (VCV004528026.1).
Genomic context (GRCh38, chr2:74,100,546, plus strand): 5'-GCAACGCGGTGGTGGAGAGCTACTCGGTGCTGGGCAACTGCCGGCCCTCCGACCCTTACA[G>C]CATGAACAGCGTGTACTCCTACCACTCCTACTATGCACAGCCCAGCCTGACCTCCGTCAA-3'
Protein context (NP_001274420.1, residues 1243-1263): LGNCRPSDPY[Ser1253Thr]MNSVYSYHSY

ClinVar aggregate classification (germline): Uncertain significance (1 of 4 stars; one submission).

gnomAD v4.1: 2 of 1,612,622 alleles (0.00012%); highest among the groups gnomAD compares: Non-Finnish European, 0.00017%; no homozygotes.

Submission:

GeneDx
Classification: Uncertain significance. Last evaluated: 2025-05-06. Review status: criteria provided, single submitter. Criteria: GeneDx Variant Classification Process June 2021. Collection method: clinical testing. Allele origin: germline. Affected: yes.
Comment: Not observed at significant frequency in large population cohorts (gnomAD); In silico analysis suggests that this missense variant does not alter protein structure/function; Has not been previously published as pathogenic or benign to our knowledge